The following is an entry in ClinVar:

ClinVar aggregate classification (germline): Uncertain significance (1 of 4 stars; one submission).

Allele frequency attached by ClinVar (database versions not stated): gnomAD exomes below 0.00001 and 0.00001.
gnomAD v4.1: 1 of 1,551,620 alleles (0.000064%); highest among the groups gnomAD compares: Non-Finnish European, 0.000087%; no homozygotes.

Submission:

Labcorp Genetics (formerly Invitae), Labcorp
Classification: Uncertain significance. Last evaluated: 2021-07-19. Review status: criteria provided, single submitter. Criteria: Invitae Variant Classification Sherloc (09022015). Collection method: clinical testing. Allele origin: germline.
Comment: In summary, the available evidence is currently insufficient to determine the role of this variant in disease. Therefore, it has been classified as a Variant of Uncertain Significance. Algorithms developed to predict the effect of missense changes on protein structure and function output the following: SIFT: "Tolerated"; PolyPhen-2: "Benign"; Align-GVGD: "Class C0". The cysteine amino acid residue is found in multiple mammalian species, which suggests that this missense change does not adversely affect protein function. This variant has not been reported in the literature in individuals affected with LRIT3-related conditions. This variant is not present in population databases (ExAC no frequency). This sequence change replaces tyrosine with cysteine at codon 157 of the LRIT3 protein (p.Tyr157Cys). The tyrosine residue is highly conserved and there is a large physicochemical difference between tyrosine and cysteine.

NM_198506.5(LRIT3):c.470A>G (p.Tyr157Cys)

Gene: LRIT3 (leucine rich repeat, Ig-like and transmembrane domains 3; plus strand). Cytogenetic location: 4q25.
Variant type: single nucleotide variant.
Coding change: c.470A>G on transcript NM_198506.5 (MANE Select); coding-DNA position 470, A replaced by G.
Protein change: p.Tyr157Cys; replaces tyrosine 157 with cysteine.
Molecular consequence: missense variant.
Genome position (GRCh38, 1-based): chr4:109,851,857, A>G. VCF-style: chr4-109851857-A-G. GRCh37 (hg19) VCF-style: chr4-110773013-A-G.
Other names: short protein forms Y157C.
Identifiers: ClinVar variation 1368642 (VCV001368642.8), dbSNP rs1560589740, ClinGen allele CA357872132.